The following is an entry in ClinVar:

ClinVar aggregate classification (germline): Likely benign. Review status: criteria provided, multiple submitters, no conflicts (2 of 4 stars). 4 submissions from 4 submitters: Likely benign (3). 1 of the submissions does not count toward it. Last evaluated 2025-11-12.

Conditions:
Familial thoracic aortic aneurysm and aortic dissection (TAAD). Also called: Thoracic aortic aneurysms and dissections. Identifiers: Orphanet 91387, MedGen C4707243, MONDO:0019625.
COL5A1-related disorder. Also called: COL5A1-related condition.
Ehlers-Danlos syndrome, classic type, 1 (EDSCL1). Also called: EHLERS-DANLOS SYNDROME, GRAVIS TYPE; EHLERS-DANLOS SYNDROME, SEVERE CLASSIC TYPE; Ehlers-Danlos syndrome, type 1; Ehlers-Danlos Syndrome, Classic Type, COL5A1-Related; EDS I. Identifiers: MedGen C0268335, MONDO:0019567, OMIM 130000.

Allele frequency attached by ClinVar (database versions not stated): TOPMed 0.00004; gnomAD 0.00002.
gnomAD v4.1: 35 of 1,613,998 alleles (0.0022%); highest among the groups gnomAD compares: East Asian, 0.0067%; no homozygotes.

Submissions (4):

Mayo Clinic Laboratories, Mayo Clinic
Classification: Likely benign. Last evaluated: 2025-11-12. Review status: criteria provided, single submitter. Criteria: ACMG Guidelines, 2015. Collection method: clinical testing. Allele origin: germline. Observed: 1 variant allele.
Comment: BP4, BP7

Labcorp Genetics (formerly Invitae), Labcorp
Classification: Likely benign for Ehlers-Danlos syndrome, classic type, 1. Last evaluated: 2025-09-17. Review status: criteria provided, single submitter. Criteria: Invitae Variant Classification Sherloc (09022015). Collection method: clinical testing. Allele origin: germline.

Ambry Genetics
Classification: Likely benign for Familial thoracic aortic aneurysm and aortic dissection. Last evaluated: 2022-08-27. Review status: criteria provided, single submitter. Criteria: Ambry Variant Classification Scheme 2023. Collection method: clinical testing. Allele origin: germline.

PreventionGenetics, part of Exact Sciences
Classification: Likely benign for COL5A1-related condition. Last evaluated: 2019-10-15. Review status: no assertion criteria provided. Collection method: clinical testing. Allele origin: germline. Not counted in ClinVar's aggregate classification.
Comment: This variant is classified as likely benign based on ACMG/AMP sequence variant interpretation guidelines (Richards et al. 2015 PMID: 25741868, with internal and published modifications).

NM_000093.5(COL5A1):c.1122C>T (p.Ala374=)

Gene: COL5A1 (collagen type V alpha 1 chain; plus strand). Cytogenetic location: 9q34.3.
Variant type: single nucleotide variant.
Coding change: c.1122C>T on transcript NM_000093.5 (MANE Select); coding-DNA position 1122, C replaced by T.
Protein change: p.Ala374=; no amino-acid change (alanine 374 retained).
Molecular consequence: synonymous variant.
Genome position (GRCh38, 1-based): chr9:134,730,433, C>T. VCF-style: chr9-134730433-C-T. GRCh37 (hg19) VCF-style: chr9-137622279-C-T.
Other names: p.Ala374=; c.1122C>T (NM_000093.4); c.1122C>T, p.Ala374= (NM_001278074.1).
Identifiers: ClinVar variation 1124831 (VCV001124831.15), dbSNP rs758640551, ClinGen allele CA201108245.
Genomic context (GRCh38, chr9:134,730,433, plus strand): 5'-CCTCACCTATGGCGAGGGGGAGGAGAACCCCGACCAGCCCACAGACCCAGGCGCTGGGGC[C>T]GAAATTCCCACCAGCACCGCCGACACCTCCAACTCCTCCAATGTAATTTCTTTCCTTCCC-3'
Protein context (NP_000084.3, residues 364-384): PDQPTDPGAG[Ala374=]EIPTSTADTS